The following is an entry in ClinVar:

ClinVar aggregate classification (germline): Uncertain significance (1 of 4 stars; one submission).

Allele frequency attached by ClinVar (database versions not stated): gnomAD exomes below 0.00001.
gnomAD v4.1: 1 of 1,611,054 alleles (0.000062%); highest among the groups gnomAD compares: Non-Finnish European, 0.000085%; no homozygotes.

Submission:

GeneDx
Classification: Uncertain significance. Last evaluated: 2022-12-22. Review status: criteria provided, single submitter. Criteria: GeneDx Variant Classification Process June 2021. Collection method: clinical testing. Allele origin: germline. Affected: yes.
Comment: Not observed at significant frequency in large population cohorts (gnomAD); In silico analysis supports that this missense variant has a deleterious effect on protein structure/function; Has not been previously published as pathogenic or benign to our knowledge

NM_001385012.1(NBEA):c.2759T>C (p.Phe920Ser)

Gene: NBEA (neurobeachin; plus strand). Cytogenetic location: 13q13.3.
Variant type: single nucleotide variant.
Coding change: c.2759T>C on transcript NM_001385012.1 (MANE Select); coding-DNA position 2759, T replaced by C.
Protein change: p.Phe920Ser; replaces phenylalanine 920 with serine.
Molecular consequence: missense variant.
Genome position (GRCh38, 1-based): chr13:35,157,185, T>C. VCF-style: chr13-35157185-T-C. GRCh37 (hg19) VCF-style: chr13-35731322-T-C.
Other names: c.2759T>C, p.Phe920Ser (NM_001379245.1, NM_015678.5); short protein forms F920S.
Identifiers: ClinVar variation 2506636 (VCV002506636.1), dbSNP rs2503593972, ClinGen allele CA387835608.